The following is an entry in ClinVar:

NM_005896.4(IDH1):c.727A>C (p.Lys243Gln)

Gene: IDH1 (isocitrate dehydrogenase (NADP(+)) 1; minus strand). Cytogenetic location: 2q34.
Variant type: single nucleotide variant.
Coding change: c.727A>C on transcript NM_005896.4 (MANE Select); coding-DNA position 727, A replaced by C.
Protein change: p.Lys243Gln; replaces lysine 243 with glutamine.
Molecular consequence: missense variant.
Genome position (GRCh38, 1-based): chr2:208,242,117, T>G on the plus strand (A>C on the coding strand, the complement: IDH1 is on the minus strand). VCF-style: chr2-208242117-T-G. GRCh37 (hg19) VCF-style: chr2-209106841-T-G.
Other names: c.727A>C, p.Lys243Gln (NM_001282386.1, NM_001282387.1); short protein forms K243Q.
Identifiers: ClinVar variation 1758044 (VCV001758044.3), dbSNP rs1005721363, ClinGen allele CA350097947.

ClinVar aggregate classification (germline): Uncertain significance (1 of 4 stars; one submission).

Submission:

Ambry Genetics
Classification: Uncertain significance. Last evaluated: 2024-09-25. Review status: criteria provided, single submitter. Criteria: Ambry Variant Classification Scheme 2023. Collection method: clinical testing. Allele origin: germline.
Comment: The p.K243Q variant (also known as c.727A>C), located in coding exon 5 of the IDH1 gene, results from an A to C substitution at nucleotide position 727. The lysine at codon 243 is replaced by glutamine, an amino acid with similar properties. This amino acid position is conserved. In addition, this alteration is predicted to be tolerated by in silico analysis. Since supporting evidence is limited at this time, the clinical significance of this alteration remains unclear.